The following is an entry in ClinVar:

NM_001377295.2(GNAT2):c.728T>C (p.Met243Thr)

Gene: GNAT2 (G protein subunit alpha transducin 2; minus strand). Cytogenetic location: 1p13.3.
Variant type: single nucleotide variant.
Coding change: c.728T>C on transcript NM_001377295.2 (MANE Select); coding-DNA position 728, T replaced by C.
Protein change: p.Met243Thr; replaces methionine 243 with threonine.
Molecular consequence: missense variant.
Genome position (GRCh38, 1-based): chr1:109,604,097, A>G on the plus strand (T>C on the coding strand, the complement: GNAT2 is on the minus strand). VCF-style: chr1-109604097-A-G. GRCh37 (hg19) VCF-style: chr1-110146719-A-G.
Other names: c.728T>C, p.Met243Thr (NM_001379232.1, NM_005272.5); short protein forms M243T.
Identifiers: ClinVar variation 1043506 (VCV001043506.3), dbSNP rs535592857, ClinGen allele CA992322.
Genomic context (GRCh38, chr1:109,604,097, plus strand): 5'-GAAGTAGCCGCAAAGAATTTGTGGTTACATATGCTGTTGAACAGATGCAAAGACTCATGC[A>G]TACGATTCTAGTAAGAGGAAACACCATTGGAAATATCAGATTTGGCTTATAGAATATCTA-3'
Protein context (NP_001364224.1, residues 233-253): VLVEDDEVNR[Met243Thr]HESLHLFNSI

ClinVar aggregate classification (germline): Conflicting classifications of pathogenicity. Review status: criteria provided, conflicting classifications (1 of 4 stars). 2 submissions from 2 submitters: Uncertain significance (1); Likely benign (1). Last evaluated 2024-07-03.

Allele frequency attached by ClinVar (database versions not stated): gnomAD below 0.00001 and 0.00003; TOPMed 0.00002; gnomAD exomes 0.00006 and 0.00017; ExAC 0.00021; 1000 Genomes Project 0.00060; 1000 Genomes Project 30x 0.00062.

Submissions (2):

Blueprint Genetics
Classification: Likely benign. Last evaluated: 2024-07-03. Review status: criteria provided, single submitter. Criteria: ACMG Guidelines, 2015. Collection method: clinical testing. Allele origin: germline.

Labcorp Genetics (formerly Invitae), Labcorp
Classification: Uncertain significance. Last evaluated: 2022-09-13. Review status: criteria provided, single submitter. Criteria: Invitae Variant Classification Sherloc (09022015). Collection method: clinical testing. Allele origin: germline.
Comment: This sequence change replaces methionine, which is neutral and non-polar, with threonine, which is neutral and polar, at codon 243 of the GNAT2 protein (p.Met243Thr). This variant is present in population databases (rs535592857, gnomAD 0.1%). This variant has not been reported in the literature in individuals affected with GNAT2-related conditions. ClinVar contains an entry for this variant (Variation ID: 1043506). Advanced modeling of protein sequence and biophysical properties (such as structural, functional, and spatial information, amino acid conservation, physicochemical variation, residue mobility, and thermodynamic stability) performed at Invitae indicates that this missense variant is expected to disrupt GNAT2 protein function. In summary, the available evidence is currently insufficient to determine the role of this variant in disease. Therefore, it has been classified as a Variant of Uncertain Significance.